The following is an entry in ClinVar:

NM_032482.3(DOT1L):c.3843G>A (p.Glu1281=)

Gene: DOT1L (DOT1 like histone lysine methyltransferase; plus strand). Cytogenetic location: 19p13.3.
Variant type: single nucleotide variant.
Coding change: c.3843G>A on transcript NM_032482.3 (MANE Select); coding-DNA position 3843, G replaced by A.
Protein change: p.Glu1281=; no amino-acid change (glutamic acid 1281 retained).
Molecular consequence: synonymous variant.
Genome position (GRCh38, 1-based): chr19:2,226,364, G>A. VCF-style: chr19-2226364-G-A. GRCh37 (hg19) VCF-style: chr19-2226363-G-A.
Other names: c.3843G>A, p.Glu1281= (NM_001411141.1).
Identifiers: ClinVar variation 3777776 (VCV003777776.7).
Genomic context (GRCh38, chr19:2,226,364, plus strand): 5'-GCAGGCCAGCTCCGCCCTCAGCCAGAACTCCCTGTTCACGTTCCGGCCCGCCCTGGAGGA[G>A]CCCTCTGCCGATGCCAAGCTGGCCGCTCACCCCAGGAAAGGCTTTCCCGGCTCCCTGTCG-3'
Protein context (NP_115871.1, residues 1271-1291): SLFTFRPALE[Glu1281=]PSADAKLAAH

ClinVar aggregate classification (germline): Likely benign (1 of 4 stars; one submission).

gnomAD v4.1: 15 of 1,592,740 alleles (0.00094%); highest among the groups gnomAD compares: African/African-American, 0.0013%; no homozygotes.

Submission:

CeGaT Center for Human Genetics Tuebingen
Classification: Likely benign. Last evaluated: 2025-03-01. Review status: criteria provided, single submitter. Criteria: CeGaT Center For Human Genetics Tuebingen Variant Classification Criteria Version 2. Collection method: clinical testing. Allele origin: germline. Affected: yes. Observed: 1 variant allele.
Comment: DOT1L: BP4, BP7